The following is an entry in ClinVar:

NM_000138.5(FBN1):c.7541G>A (p.Gly2514Glu)

Gene: FBN1 (fibrillin 1; minus strand). Cytogenetic location: 15q21.1.
Variant type: single nucleotide variant.
Coding change: c.7541G>A on transcript NM_000138.5 (MANE Select); coding-DNA position 7541, G replaced by A.
Protein change: p.Gly2514Glu; replaces glycine 2514 with glutamic acid.
Molecular consequence: missense variant.
Genome position (GRCh38, 1-based): chr15:48,421,981, C>T on the plus strand (G>A on the coding strand, the complement: FBN1 is on the minus strand). VCF-style: chr15-48421981-C-T. GRCh37 (hg19) VCF-style: chr15-48714178-C-T.
Other names: c.7541G>A, p.Gly2514Glu (NM_001406716.1); short protein forms G2514E.
Identifiers: ClinVar variation 3024525 (VCV003024525.3), dbSNP rs2505399457, ClinGen allele CA392325891.

ClinVar aggregate classification (germline): Likely pathogenic. Review status: criteria provided, multiple submitters, no conflicts (2 of 4 stars). 2 submissions from 2 submitters: Likely pathogenic (2). Last evaluated 2024-02-05.

Conditions:
Marfan syndrome (MFS). Also called: MARFAN SYNDROME, TYPE I; Marfan syndrome type 1; Marfan's syndrome; Marfan syndrome, classic; FBN1-Related Marfan Syndrome. Identifiers: Orphanet 284963, Orphanet 558, MedGen C0024796, MONDO:0007947, OMIM 154700.

Submissions (2):

Institute of Human Genetics, University of Leipzig Medical Center
Classification: Likely pathogenic for Marfan syndrome. Last evaluated: 2024-02-05. Review status: criteria provided, single submitter. Criteria: ACMG Guidelines, 2015. Collection method: clinical testing. Allele origin: unknown. Inheritance: Autosomal dominant inheritance. Affected: yes.
Comment: Criteria applied: PM1,PM5,PS4_SUP,PM2_SUP,PP3

Clinical Genetics Laboratory, Skane University Hospital Lund
Classification: Likely pathogenic. Last evaluated: 2024-01-24. Review status: criteria provided, single submitter. Criteria: ACMG Guidelines, 2015. Collection method: clinical testing. Allele origin: germline. Affected: yes.